The following is an entry in ClinVar:

NM_001110556.2(FLNA):c.1631C>G (p.Pro544Arg)

Gene: FLNA (filamin A; minus strand). Cytogenetic location: Xq28.
Variant type: single nucleotide variant.
Coding change: c.1631C>G on transcript NM_001110556.2 (MANE Select); coding-DNA position 1631, C replaced by G.
Protein change: p.Pro544Arg; replaces proline 544 with arginine.
Molecular consequence: missense variant.
Genome position (GRCh38, 1-based): chrX:154,365,196, G>C on the plus strand (C>G on the coding strand, the complement: FLNA is on the minus strand). VCF-style: chrX-154365196-G-C. GRCh37 (hg19) VCF-style: chrX-153593564-G-C.
Other names: c.1631C>G, p.Pro544Arg (NM_001456.4); short protein forms P544R.
Identifiers: ClinVar variation 4789036 (VCV004789036.2).
Genomic context (GRCh38, chrX:154,365,196, plus strand): 5'-CTGCGCCCGATGTTCTGACCACCCCACGTGATGGTGACGATATAGGTTCCAGGGACCATG[G>C]GGTAATACTCGAAGCCATACACGCCATCCCCCAGGTCCTTCTGCTTCACGCGCTCCTCTC-3'
Protein context (NP_001104026.1, residues 534-554): GDGVYGFEYY[Pro544Arg]MVPGTYIVTI

ClinVar aggregate classification (germline): Uncertain significance. Review status: criteria provided, multiple submitters, no conflicts (2 of 4 stars). 2 submissions from 2 submitters: Uncertain significance (2). Last evaluated 2025-05-14.

Conditions:
Oto-palato-digital syndrome, type II (OPD2). Also called: FACIOPALATOOSSEOUS SYNDROME; OPD II SYNDROME; Otopalatodigital Syndrome, Type II; Otopalatodigital Syndrome Type 2 (FLNA-OPD2). Identifiers: Orphanet 669, Orphanet 90652, MedGen C1844696, MONDO:0010571, OMIM 304120.
Melnick-Needles syndrome (MNS). Also called: MELNICK-NEEDLES OSTEODYSPLASTY; OSTEODYSPLASTY OF MELNICK AND NEEDLES; Melnick-Needles Syndrome (FLNA-MNS). Identifiers: Orphanet 2484, MedGen C0025237, MONDO:0010650, OMIM 309350.
Frontometaphyseal dysplasia (FMD1). Identifiers: Orphanet 1826, MedGen C0265293, MONDO:0015942.
Heterotopia, periventricular, X-linked dominant (PVNH1). Also called: HETEROTOPIA, PERIVENTRICULAR, 1; PERIVENTRICULAR NODULAR HETEROTOPIA 1; X-linked periventricular heterotopia; PERIVENTRICULAR NODULAR HETEROTOPIA 4. Identifiers: Orphanet 2149, Orphanet 82004, MedGen C1848213, MONDO:0010233, OMIM 300049.

gnomAD v4.1: 3 of 1,209,988 alleles (0.00025%); no homozygotes.

Submissions (2):

Labcorp Genetics (formerly Invitae), Labcorp
Classification: Uncertain significance for Oto-palato-digital syndrome, type II; Heterotopia, periventricular, X-linked dominant; Frontometaphyseal dysplasia; Melnick-Needles syndrome. Last evaluated: 2025-05-14. Review status: criteria provided, single submitter. Criteria: Invitae Variant Classification Sherloc (09022015). Collection method: clinical testing. Allele origin: germline.
Comment: This sequence change replaces proline, which is neutral and non-polar, with arginine, which is basic and polar, at codon 544 of the FLNA protein (p.Pro544Arg). This variant is not present in population databases (gnomAD no frequency). This variant has not been reported in the literature in individuals affected with FLNA-related conditions. Invitae Evidence Modeling of protein sequence and biophysical properties (such as structural, functional, and spatial information, amino acid conservation, physicochemical variation, residue mobility, and thermodynamic stability) indicates that this missense variant is expected to disrupt FLNA protein function with a positive predictive value of 95%. In summary, the available evidence is currently insufficient to determine the role of this variant in disease. Therefore, it has been classified as a Variant of Uncertain Significance.

Blueprint Genetics
Classification: Uncertain significance. Last evaluated: 2019-01-22. Review status: criteria provided, single submitter. Criteria: ACMG Guidelines, 2015. Collection method: clinical testing. Allele origin: germline.